The following is an entry in ClinVar:

NM_001943.5(DSG2):c.1256A>G (p.Asp419Gly)

Gene: DSG2 (desmoglein 2; plus strand). Cytogenetic location: 18q12.1.
Variant type: single nucleotide variant.
Coding change: c.1256A>G on transcript NM_001943.5 (MANE Select); coding-DNA position 1256, A replaced by G.
Protein change: p.Asp419Gly; replaces aspartic acid 419 with glycine.
Molecular consequence: missense variant.
Genome position (GRCh38, 1-based): chr18:31,531,228, A>G. VCF-style: chr18-31531228-A-G. GRCh37 (hg19) VCF-style: chr18-29111191-A-G.
Other names: short protein forms D419G.
Identifiers: ClinVar variation 852004 (VCV000852004.9), dbSNP rs760135423, ClinGen allele CA402139523.

ClinVar aggregate classification (germline): Uncertain significance (1 of 4 stars; one submission).

Conditions:
Arrhythmogenic right ventricular dysplasia 10. Also called: Arrhythmogenic right ventricular dysplasia/cardiomyopathy, type 10; Arrhythmogenic Right Ventricular Dysplasia/Cardiomyopathy10; ARRHYTHMOGENIC RIGHT VENTRICULAR DYSPLASIA, FAMILIAL, 10. Identifiers: MedGen C1857777, MONDO:0012434, OMIM 610193.

gnomAD v4.1: 1 of 1,614,204 alleles (0.000062%); highest among the groups gnomAD compares: Non-Finnish European, 0.000085%; no homozygotes.

Submission:

Labcorp Genetics (formerly Invitae), Labcorp
Classification: Uncertain significance for Arrhythmogenic right ventricular dysplasia 10. Last evaluated: 2019-11-21. Review status: criteria provided, single submitter. Criteria: Invitae Variant Classification Sherloc (09022015). Collection method: clinical testing. Allele origin: germline.
Comment: In summary, the available evidence is currently insufficient to determine the role of this variant in disease. Therefore, it has been classified as a Variant of Uncertain Significance. Algorithms developed to predict the effect of missense changes on protein structure and function (SIFT, PolyPhen-2, Align-GVGD) all suggest that this variant is likely to be disruptive, but these predictions have not been confirmed by published functional studies and their clinical significance is uncertain. This variant has not been reported in the literature in individuals with DSG2-related conditions. This variant is not present in population databases (ExAC no frequency). This sequence change replaces aspartic acid with glycine at codon 419 of the DSG2 protein (p.Asp419Gly). The aspartic acid residue is highly conserved and there is a moderate physicochemical difference between aspartic acid and glycine.